The following is an entry in ClinVar:

NM_173630.4(RTTN):c.5673G>A (p.Glu1891=)

Gene: RTTN (rotatin; minus strand). Cytogenetic location: 18q22.2.
Variant type: single nucleotide variant.
Coding change: c.5673G>A on transcript NM_173630.4 (MANE Select); coding-DNA position 5673, G replaced by A.
Protein change: p.Glu1891=; no amino-acid change (glutamic acid 1891 retained).
Molecular consequence: synonymous variant.
Genome position (GRCh38, 1-based): chr18:70,030,084, C>T on the plus strand (G>A on the coding strand, the complement: RTTN is on the minus strand). VCF-style: chr18-70030084-C-T. GRCh37 (hg19) VCF-style: chr18-67697320-C-T.
Other names: c.2937G>A, p.Glu979= (NM_001318520.2).
Identifiers: ClinVar variation 3390347 (VCV003390347.14).

ClinVar aggregate classification (germline): Likely benign (1 of 4 stars; one submission).

gnomAD v4.1: 10 of 1,612,352 alleles (0.00062%); highest among the groups gnomAD compares: African/African-American, 0.0013%; no homozygotes.

Submission:

CeGaT Center for Human Genetics Tuebingen
Classification: Likely benign. Last evaluated: 2024-11-01. Review status: criteria provided, single submitter. Criteria: CeGaT Center For Human Genetics Tuebingen Variant Classification Criteria Version 2. Collection method: clinical testing. Allele origin: germline. Affected: yes. Observed: 1 variant allele.
Comment: RTTN: BP4, BP7